The following is an entry in ClinVar:

NM_015884.4(MBTPS2):c.439-13T>C

Gene: MBTPS2 (membrane bound transcription factor peptidase, site 2; plus strand). Cytogenetic location: Xp22.12.
Variant type: single nucleotide variant.
Coding change: c.439-13T>C on transcript NM_015884.4 (MANE Select); 13 bases into the intron before coding-DNA position 439, T replaced by C.
Molecular consequence: intron variant.
Genome position (GRCh38, 1-based): chrX:21,851,496, T>C. VCF-style: chrX-21851496-T-C. GRCh37 (hg19) VCF-style: chrX-21869614-T-C.
Identifiers: ClinVar variation 3669942 (VCV003669942.2).

ClinVar aggregate classification (germline): Uncertain significance (1 of 4 stars; one submission).

Submission:

Labcorp Genetics (formerly Invitae), Labcorp
Classification: Uncertain significance. Last evaluated: 2024-04-25. Review status: criteria provided, single submitter. Criteria: Invitae Variant Classification Sherloc (09022015). Collection method: clinical testing. Allele origin: germline.
Comment: This sequence change falls in intron 3 of the MBTPS2 gene. It does not directly change the encoded amino acid sequence of the MBTPS2 protein. This variant is not present in population databases (gnomAD no frequency). This variant has not been reported in the literature in individuals affected with MBTPS2-related conditions. Algorithms developed to predict the effect of sequence changes on RNA splicing suggest that this variant may disrupt the consensus splice site. In summary, the available evidence is currently insufficient to determine the role of this variant in disease. Therefore, it has been classified as a Variant of Uncertain Significance.